The following is an entry in ClinVar:

NM_198576.4(AGRN):c.6122C>T (p.Pro2041Leu)

Gene: AGRN (agrin; plus strand). Cytogenetic location: 1p36.33.
Variant type: single nucleotide variant.
Coding change: c.6122C>T on transcript NM_198576.4 (MANE Select); coding-DNA position 6122, C replaced by T.
Protein change: p.Pro2041Leu; replaces proline 2041 with leucine.
Molecular consequence: missense variant.
Genome position (GRCh38, 1-based): chr1:1,054,965, C>T. VCF-style: chr1-1054965-C-T. GRCh37 (hg19) VCF-style: chr1-990345-C-T.
Other names: c.6191C>T, p.Pro2064Leu (NM_001305275.2); c.5819C>T, p.Pro1940Leu (NM_001364727.2); short protein forms P1940L, P2041L, P2064L.
Identifiers: ClinVar variation 1360310 (VCV001360310.5), dbSNP rs1393300336, ClinGen allele CA337787105.

ClinVar aggregate classification (germline): Uncertain significance (1 of 4 stars; one submission).

Conditions:
Congenital myasthenic syndrome 8. Also called: MYASTHENIC SYNDROME, CONGENITAL, DUE TO AGRIN DEFICIENCY; Myasthenic syndrome, congenital, 8, with pre- and postsynaptic defects. Identifiers: Orphanet 590, MedGen C3808739, MONDO:0014052, OMIM 615120.

Allele frequency attached by ClinVar (database versions not stated): gnomAD exomes below 0.00001 and 0.00001.

Submission:

Labcorp Genetics (formerly Invitae), Labcorp
Classification: Uncertain significance for Congenital myasthenic syndrome 8. Last evaluated: 2021-09-24. Review status: criteria provided, single submitter. Criteria: Invitae Variant Classification Sherloc (09022015). Collection method: clinical testing. Allele origin: germline.
Comment: This sequence change replaces proline with leucine at codon 2041 of the AGRN protein (p.Pro2041Leu). The proline residue is moderately conserved and there is a moderate physicochemical difference between proline and leucine. This variant is not present in population databases (ExAC no frequency). This variant has not been reported in the literature in individuals with AGRN-related conditions. Algorithms developed to predict the effect of missense changes on protein structure and function (SIFT, PolyPhen-2, Align-GVGD) all suggest that this variant is likely to be tolerated, but these predictions have not been confirmed by published functional studies and their clinical significance is uncertain. In summary, the available evidence is currently insufficient to determine the role of this variant in disease. Therefore, it has been classified as a Variant of Uncertain Significance.